The following is an entry in ClinVar:

NM_001267550.2(TTN):c.12844A>C (p.Ile4282Leu)

Gene: TTN (titin; minus strand). Cytogenetic location: 2q31.2.
Variant type: single nucleotide variant.
Coding change: c.12844A>C on transcript NM_001267550.2 (MANE Select); coding-DNA position 12844, A replaced by C.
Protein change: p.Ile4282Leu; replaces isoleucine 4282 with leucine.
Molecular consequence: missense variant. On other transcripts: intron variant (1).
Genome position (GRCh38, 1-based): chr2:178,740,389, T>G on the plus strand (A>C on the coding strand, the complement: TTN is on the minus strand). VCF-style: chr2-178740389-T-G. GRCh37 (hg19) VCF-style: chr2-179605116-T-G.
Other names: c.11893A>C, p.Ile3965Leu (NM_001256850.1); c.11755A>C, p.Ile3919Leu (NM_003319.4); c.12130A>C, p.Ile4044Leu (NM_133432.3); c.12331A>C, p.Ile4111Leu (NM_133437.4); c.10361-2029A>C (NM_133378.4); c.12844A>C (LRG_391t1); short protein forms I3965L, I4282L, I4044L, I4111L, I3919L.
Identifiers: ClinVar variation 290830 (VCV000290830.8), dbSNP rs56244420, ClinGen allele CA2002660.
Genomic context (GRCh38, chr2:178,740,389, plus strand): 5'-TACCTCCTTCTGTGCATGAGTGTTCTGAAGGGACTAGGGGCTCATAGTTTACCTGAGAGA[T>G]CATGACATCAGGACTCTGGAGACTCTCCACGTGTCCCTCAGCTAAGCTCTGACTCAAGAT-3'
Protein context (NP_001254479.2, residues 4272-4292): VESLQSPDVM[Ile4282Leu]SQVNYEPLVP

ClinVar aggregate classification (germline): Uncertain significance. Review status: criteria provided, multiple submitters, no conflicts (2 of 4 stars). 4 submissions from 4 submitters: Uncertain significance (4). Last evaluated 2025-12-09.

Conditions:
TTN-related disorder. Also called: TTN-related condition; TTN-related disease; TTN-related disorders.
Cardiovascular phenotype. Identifiers: MedGen CN230736.

Allele frequency attached by ClinVar (database versions not stated): gnomAD exomes 0.00002 and 0.00003; ExAC 0.00007; gnomAD 0.00015 and 0.00017; TOPMed 0.00017; ESP Exome Variant Server 0.00033.
gnomAD v4.1: 55 of 1,613,222 alleles (0.0034%); highest among the groups gnomAD compares: African/African-American, 0.065%; no homozygotes.

Submissions (4):

PreventionGenetics, part of Exact Sciences
Classification: Uncertain significance for TTN-related condition. Last evaluated: 2025-12-09. Review status: criteria provided, single submitter. Criteria: ACMG Guidelines, 2015. Collection method: clinical testing. Allele origin: germline.
Comment: The TTN c.12844A>C variant is predicted to result in the amino acid substitution p.Ile4282Leu. To our knowledge, this variant has not been reported in the literature. This variant is reported in 0.058% of alleles in individuals of African descent in gnomAD. At this time, the clinical significance of this variant is uncertain due to the absence of conclusive functional and genetic evidence.

Ambry Genetics
Classification: Uncertain significance for Cardiovascular phenotype. Last evaluated: 2018-11-20. Review status: criteria provided, single submitter. Criteria: Ambry Variant Classification Scheme 2023. Collection method: clinical testing. Allele origin: germline.
Comment: The p.I3919L variant (also known as c.11755A>C), located in coding exon 44 of the TTN gene, results from an A to C substitution at nucleotide position 11755. The isoleucine at codon 3919 is replaced by leucine, an amino acid with highly similar properties. This amino acid position is not well conserved in available vertebrate species. In addition, this alteration is predicted to be tolerated by in silico analysis. Since supporting evidence is limited at this time, the clinical significance of this alteration remains unclear.

Eurofins Ntd Llc (ga)
Classification: Uncertain significance. Last evaluated: 2016-09-14. Review status: criteria provided, single submitter. Criteria: EGL Classification Definitions 2015. Collection method: clinical testing. Allele origin: germline. Observed: 1 variant allele, 1 heterozygote.

Athena Diagnostics
Classification: Uncertain significance. Last evaluated: 2016-08-01. Review status: criteria provided, single submitter. Criteria: Athena Diagnostics Criteria. Collection method: clinical testing. Allele origin: germline.